The following is an entry in ClinVar:

ClinVar aggregate classification (germline): Benign/Likely benign. Review status: criteria provided, multiple submitters, no conflicts (2 of 4 stars). 3 submissions from 3 submitters: Benign (1); Likely benign (2). Last evaluated 2025-12-19.

Conditions:
MYH9-related disorder. Identifiers: MedGen C1854520.
Inborn genetic diseases. Identifiers: MedGen C0950123, MeSH D030342.

Submissions (3):

Labcorp Genetics (formerly Invitae), Labcorp
Classification: Benign. Last evaluated: 2025-12-19. Review status: criteria provided, single submitter. Criteria: Invitae Variant Classification Sherloc (09022015). Collection method: clinical testing. Allele origin: germline.

PreventionGenetics, part of Exact Sciences
Classification: Likely benign for MYH9-related condition. Last evaluated: 2025-07-30. Review status: criteria provided, single submitter. Criteria: ACMG Guidelines, 2015. Collection method: clinical testing. Allele origin: germline.
Comment: This variant is classified as likely benign based on ACMG/AMP sequence variant interpretation guidelines (Richards et al. 2015 PMID: 25741868, with internal and published modifications).

Ambry Genetics
Classification: Likely benign for Inborn genetic diseases. Last evaluated: 2024-05-14. Review status: criteria provided, single submitter. Criteria: Ambry Variant Classification Scheme 2023. Collection method: clinical testing. Allele origin: germline.

NM_002473.6(MYH9):c.2343C>G (p.Asp781Glu)

Gene: MYH9 (myosin heavy chain 9; minus strand). Cytogenetic location: 22q12.3.
Variant type: single nucleotide variant.
Coding change: c.2343C>G on transcript NM_002473.6 (MANE Select); coding-DNA position 2343, C replaced by G.
Protein change: p.Asp781Glu; replaces aspartic acid 781 with glutamic acid.
Molecular consequence: missense variant.
Genome position (GRCh38, 1-based): chr22:36,304,042, G>C on the plus strand (C>G on the coding strand, the complement: MYH9 is on the minus strand). VCF-style: chr22-36304042-G-C. GRCh37 (hg19) VCF-style: chr22-36700088-G-C.
Other names: short protein forms D781E.
Identifiers: ClinVar variation 3297560 (VCV003297560.3).